The following is an entry in ClinVar:

NM_198525.3(KIF7):c.3332G>A (p.Arg1111Gln)

Genes: KIF7 (kinesin family member 7; minus strand), LOC126862216 (BRD4-independent group 4 enhancer GRCh37_chr15:90171995-90173194; plus strand). Cytogenetic location: 15q26.1.
Variant type: single nucleotide variant.
Coding change: c.3332G>A on transcript NM_198525.3 (MANE Select); coding-DNA position 3332, G replaced by A.
Protein change: p.Arg1111Gln; replaces arginine 1111 with glutamine.
Molecular consequence: missense variant.
Genome position (GRCh38, 1-based): chr15:89,629,560, C>T on the plus strand (G>A on the coding strand, the complement: KIF7 is on the minus strand). VCF-style: chr15-89629560-C-T. GRCh37 (hg19) VCF-style: chr15-90172791-C-T.
Other names: short protein forms R1111Q.
Identifiers: ClinVar variation 1423467 (VCV001423467.4), dbSNP rs752985477, ClinGen allele CA7727732.
Genomic context (GRCh38, chr15:89,629,560, plus strand): 5'-TGCTCCTCCAGCTGCATCTCCAGTTCCGAGAAGGCAATCTGCTGCTGGTGCTGCTCCTCT[C>T]GGAGCGTCACCACCTGTCCCAAGACCCAGCCAGGCTCAGCCCTCATCATGACCCCTCTTC-3'
Protein context (NP_940927.2, residues 1101-1121): CKYFDKVVTL[Arg1111Gln]EEQHQQQIAF

ClinVar aggregate classification (germline): Uncertain significance (1 of 4 stars; one submission).

Conditions:
Acrocallosal syndrome (ACLS). Also called: Schinzel syndrome 1; Absence of corpus callosum with unusual facial appearance, mental deficiency, duplication of the halluces and polydactyly; HALLUX DUPLICATION, POSTAXIAL POLYDACTYLY, AND ABSENCE OF CORPUS CALLOSUM. Identifiers: Orphanet 36, MedGen C0796147, MONDO:0008708, OMIM 200990.

gnomAD v4.1: 9 of 1,606,464 alleles (0.00056%); highest among the groups gnomAD compares: East Asian, 0.0045%; no homozygotes.

Submission:

Labcorp Genetics (formerly Invitae), Labcorp
Classification: Uncertain significance for Acrocallosal syndrome. Last evaluated: 2022-11-01. Review status: criteria provided, single submitter. Criteria: Invitae Variant Classification Sherloc (09022015). Collection method: clinical testing. Allele origin: germline.
Comment: In summary, the available evidence is currently insufficient to determine the role of this variant in disease. Therefore, it has been classified as a Variant of Uncertain Significance. Algorithms developed to predict the effect of missense changes on protein structure and function (SIFT, PolyPhen-2, Align-GVGD) all suggest that this variant is likely to be disruptive. ClinVar contains an entry for this variant (Variation ID: 1423467). This variant has not been reported in the literature in individuals affected with KIF7-related conditions. This variant is present in population databases (rs752985477, gnomAD 0.01%). This sequence change replaces arginine, which is basic and polar, with glutamine, which is neutral and polar, at codon 1111 of the KIF7 protein (p.Arg1111Gln).